The following is an entry in ClinVar:

ClinVar aggregate classification (germline): Likely pathogenic (1 of 4 stars; one submission).

Conditions:
Rauch-Steindl syndrome (RAUST). Identifiers: Orphanet 659642, MedGen C5562061, MONDO:0859219, OMIM 619695.

Submission:

3billion
Classification: Likely pathogenic for Rauch-Steindl syndrome. Last evaluated: 2025-06-10. Review status: criteria provided, single submitter. Criteria: ACMG Guidelines, 2015. Collection method: clinical testing. Allele origin: germline. Affected: yes.
Comment: The variant is not observed in the gnomAD v4.1.0 dataset. Predicted Consequence/Location: Frameshift: predicted to result in a loss or disruption of normal protein function through nonsense-mediated decay (NMD) or protein truncation. Multiple pathogenic variants are reported downstream of the variant. Therefore, this variant is classified as Likely pathogenic according to the recommendation of ACMG/AMP guideline.

NM_001042424.3(NSD2):c.2943del (p.Gln982fs)

Gene: NSD2 (nuclear receptor binding SET domain protein 2; plus strand). Cytogenetic location: 4p16.3.
Variant type: Deletion.
Coding change: c.2943del on transcript NM_001042424.3 (MANE Select); coding-DNA position 2943, one base deleted (A; older notation c.2943delA).
Protein change: p.Gln982fs; shifts the reading frame from glutamine 982.
Molecular consequence: frameshift variant.
Genome position (GRCh38, 1-based): chr4:1,957,994, A deleted. VCF-style (leftmost placement, unchanged base first): chr4-1957993-CA-C. GRCh37 (hg19) VCF-style: chr4-1959720-CA-C.
Other names: c.2943del, p.Gln982fs (NM_001440892.1, NM_001440894.1, NM_001440895.1 and 3 more transcripts); c.3042del, p.Gln1015fs (NM_001440893.1); c.2742del, p.Gln915fs (NM_001440896.1); c.2736del, p.Gln913fs (NM_001440897.1, NM_001440898.1); c.1974del, p.Gln659fs (NM_001440899.1, NM_001440900.1); short protein forms Q1015fs, Q659fs, Q913fs, Q915fs, Q982fs.
Identifiers: ClinVar variation 4854856 (VCV004854856.1).